The following is an entry in ClinVar:

ClinVar aggregate classification (germline): Uncertain significance. Review status: criteria provided, multiple submitters, no conflicts (2 of 4 stars). 2 submissions from 2 submitters: Uncertain significance (2). Last evaluated 2025-09-16.

Conditions:
Atrioventricular septal defect 4 (AVSD4). Identifiers: MedGen C3280781, MONDO:0013747, OMIM 614430.
Cardiovascular phenotype. Identifiers: MedGen CN230736.

Allele frequency attached by ClinVar (database versions not stated): TOPMed 0.00001.
gnomAD v4.1: 17 of 1,469,546 alleles (0.0012%); highest among the groups gnomAD compares: Non-Finnish European, 0.0015%; no homozygotes.

Submissions (2):

Labcorp Genetics (formerly Invitae), Labcorp
Classification: Uncertain significance for Atrioventricular septal defect 4. Last evaluated: 2025-09-16. Review status: criteria provided, single submitter. Criteria: Invitae Variant Classification Sherloc (09022015). Collection method: clinical testing. Allele origin: germline.
Comment: This sequence change replaces serine, which is neutral and polar, with tyrosine, which is neutral and polar, at codon 159 of the GATA4 protein (p.Ser159Tyr). This variant is not present in population databases (gnomAD no frequency). This variant has not been reported in the literature in individuals affected with GATA4-related conditions. ClinVar contains an entry for this variant (Variation ID: 2150397). Invitae Evidence Modeling of protein sequence and biophysical properties (such as structural, functional, and spatial information, amino acid conservation, physicochemical variation, residue mobility, and thermodynamic stability) indicates that this missense variant is not expected to disrupt GATA4 protein function with a negative predictive value of 95%. In summary, the available evidence is currently insufficient to determine the role of this variant in disease. Therefore, it has been classified as a Variant of Uncertain Significance.

Ambry Genetics
Classification: Uncertain significance for Cardiovascular phenotype. Last evaluated: 2025-01-04. Review status: criteria provided, single submitter. Criteria: Ambry Variant Classification Scheme 2023. Collection method: clinical testing. Allele origin: germline.
Comment: The p.S159Y variant (also known as c.476C>A), located in coding exon 1 of the GATA4 gene, results from a C to A substitution at nucleotide position 476. The serine at codon 159 is replaced by tyrosine, an amino acid with dissimilar properties. This amino acid position is conserved. In addition, the in silico prediction for this alteration is inconclusive. Based on the available evidence, the clinical significance of this variant remains unclear.

NM_001308093.3(GATA4):c.476C>A (p.Ser159Tyr)

Gene: GATA4 (GATA binding protein 4). Cytogenetic location: 8p23.1.
Variant type: single nucleotide variant.
Coding change: c.476C>A on transcript NM_001308093.3 (MANE Select); coding-DNA position 476, C replaced by A.
Protein change: p.Ser159Tyr; replaces serine 159 with tyrosine.
Molecular consequence: missense variant. On other transcripts: intron variant (3).
Genome position (GRCh38, 1-based): chr8:11,708,788, C>A. VCF-style: chr8-11708788-C-A. GRCh37 (hg19) VCF-style: chr8-11566297-C-A.
Other names: c.476C>A (NM_002052.3); c.476C>A, p.Ser159Tyr (NM_002052.5); c.-6+8010C>A (NM_001308094.2); c.-3+774C>A (NM_001374274.1); c.-3+4484C>A (NM_001374273.1); short protein forms S159Y.
Identifiers: ClinVar variation 2150397 (VCV002150397.6), dbSNP rs1247038472, ClinGen allele CA370309703.
Genomic context (GRCh38, chr8:11,708,788, plus strand): 5'-CGGGTGCGGGCCTGGCGGGCCGCGAGCAGTACGGGCGCGCCGGCTTCGCGGGCTCCTACT[C>A]CAGCCCCTACCCGGCTTACATGGCCGACGTGGGCGCGTCCTGGGCCGCAGCCGCCGCCGC-3'
Protein context (NP_001295022.1, residues 149-169): YGRAGFAGSY[Ser159Tyr]SPYPAYMADV